The following is an entry in ClinVar:

NM_001384900.1(SEMA3D):c.2147A>G (p.Tyr716Cys)

Genes: SEMA3D (semaphorin 3D; minus strand), LOC126860094 (BRD4-independent group 4 enhancer GRCh37_chr7:84628763-84629962; plus strand). Cytogenetic location: 7q21.11.
Variant type: single nucleotide variant.
Coding change: c.2147A>G on transcript NM_001384900.1 (MANE Select); coding-DNA position 2147, A replaced by G.
Protein change: p.Tyr716Cys; replaces tyrosine 716 with cysteine.
Molecular consequence: missense variant.
Genome position (GRCh38, 1-based): chr7:84,999,627, T>C on the plus strand (A>G on the coding strand, the complement: SEMA3D is on the minus strand). VCF-style: chr7-84999627-T-C. GRCh37 (hg19) VCF-style: chr7-84628943-T-C.
Other names: c.2147A>G, p.Tyr716Cys (NM_001384901.1, NM_001384902.1, NM_001384903.1 and 1 more transcripts); short protein forms Y716C.
Identifiers: ClinVar variation 3032263 (VCV003032263.3), dbSNP rs762600039, ClinGen allele CA4323202.

ClinVar aggregate classification (germline): Uncertain significance (1 of 4 stars; one submission).

Conditions:
SEMA3D-related disorder. Also called: SEMA3D-related condition.

Allele frequency attached by ClinVar (database versions not stated): gnomAD 0.00001; gnomAD exomes 0.00001; ExAC 0.00003; TOPMed 0.00003.
gnomAD v4.1: 25 of 1,613,988 alleles (0.0015%); highest among the groups gnomAD compares: Admixed American, 0.013%; no homozygotes.

Submission:

PreventionGenetics, part of Exact Sciences
Classification: Uncertain significance for SEMA3D-related condition. Last evaluated: 2024-11-26. Review status: criteria provided, single submitter. Criteria: ACMG Guidelines, 2015. Collection method: clinical testing. Allele origin: germline.
Comment: The SEMA3D c.2147A>G variant is predicted to result in the amino acid substitution p.Tyr716Cys. To our knowledge, this variant has not been reported in the literature. This variant is reported in 0.020% of alleles in individuals of Latino descent in gnomAD. At this time, the clinical significance of this variant is uncertain due to the absence of conclusive functional and genetic evidence.